The following is an entry in ClinVar:

ClinVar aggregate classification (germline): Uncertain significance. Review status: criteria provided, multiple submitters, no conflicts (2 of 4 stars). 3 submissions from 3 submitters: Uncertain significance (3). Last evaluated 2025-12-19.

Conditions:
Progressive familial heart block type IB (PFHB1B). Identifiers: Orphanet 871, MedGen C1970298, MONDO:0011474, OMIM 604559.
Cardiovascular phenotype. Identifiers: MedGen CN230736.

Allele frequency attached by ClinVar (database versions not stated): gnomAD exomes below 0.00001; gnomAD 0.00002; TOPMed 0.00002.
gnomAD v4.1: 5 of 1,614,096 alleles (0.00031%); highest among the groups gnomAD compares: African/African-American, 0.0067%; no homozygotes.

Submissions (3):

Labcorp Genetics (formerly Invitae), Labcorp
Classification: Uncertain significance for Progressive familial heart block type IB. Last evaluated: 2025-12-19. Review status: criteria provided, single submitter. Criteria: Invitae Variant Classification Sherloc (09022015). Collection method: clinical testing. Allele origin: germline.
Comment: This sequence change replaces threonine, which is neutral and polar, with serine, which is neutral and polar, at codon 653 of the TRPM4 protein (p.Thr653Ser). The frequency data for this variant in the population databases is considered unreliable, as metrics indicate poor data quality at this position in the gnomAD database. This variant has not been reported in the literature in individuals affected with TRPM4-related conditions. ClinVar contains an entry for this variant (Variation ID: 1044420). An algorithm developed to predict the effect of missense changes on protein structure and function (PolyPhen-2) suggests that this variant is likely to be disruptive. In summary, the available evidence is currently insufficient to determine the role of this variant in disease. Therefore, it has been classified as a Variant of Uncertain Significance.

Ambry Genetics
Classification: Uncertain significance for Cardiovascular phenotype. Last evaluated: 2025-01-27. Review status: criteria provided, single submitter. Criteria: Ambry Variant Classification Scheme 2023. Collection method: clinical testing. Allele origin: germline.

GeneDx
Classification: Uncertain significance. Last evaluated: 2022-12-12. Review status: criteria provided, single submitter. Criteria: GeneDx Variant Classification Process June 2021. Collection method: clinical testing. Allele origin: germline. Affected: yes.
Comment: In silico analysis supports that this missense variant has a deleterious effect on protein structure/function; Has not been previously published as pathogenic or benign to our knowledge

NM_017636.4(TRPM4):c.1958C>G (p.Thr653Ser)

Gene: TRPM4 (transient receptor potential cation channel subfamily M member 4; plus strand). Cytogenetic location: 19q13.33.
Variant type: single nucleotide variant.
Coding change: c.1958C>G on transcript NM_017636.4 (MANE Select); coding-DNA position 1958, C replaced by G.
Protein change: p.Thr653Ser; replaces threonine 653 with serine.
Molecular consequence: missense variant.
Genome position (GRCh38, 1-based): chr19:49,189,030, C>G. VCF-style: chr19-49189030-C-G. GRCh37 (hg19) VCF-style: chr19-49692287-C-G.
Other names: c.1958C>G, p.Thr653Ser (NM_001195227.2); c.1613C>G, p.Thr538Ser (NM_001321281.2); c.350C>G, p.Thr117Ser (NM_001321282.2); c.1436C>G, p.Thr479Ser (NM_001321283.2); c.896C>G, p.Thr299Ser (NM_001321285.2); short protein forms T117S, T653S, T299S, T479S, T538S.
Identifiers: ClinVar variation 1044420 (VCV001044420.10), dbSNP rs1054242340, ClinGen allele CA309447064.